The following is an entry in ClinVar:

NM_001903.5(CTNNA1):c.323C>T (p.Ala108Val)

Gene: CTNNA1 (catenin alpha 1; plus strand). Cytogenetic location: 5q31.2.
Variant type: single nucleotide variant.
Coding change: c.323C>T on transcript NM_001903.5 (MANE Select); coding-DNA position 323, C replaced by T.
Protein change: p.Ala108Val; replaces alanine 108 with valine.
Molecular consequence: missense variant. On other transcripts: intron variant (1).
Genome position (GRCh38, 1-based): chr5:138,810,059, C>T. VCF-style: chr5-138810059-C-T. GRCh37 (hg19) VCF-style: chr5-138145748-C-T.
Other names: c.323C>T, p.Ala108Val (NM_001290307.3, NM_001323982.2, NM_001323983.1 and 3 more transcripts); c.14C>T, p.Ala5Val (NM_001290309.3); c.-5-42C>T (NM_001290310.3); short protein forms A108V, A5V.
Identifiers: ClinVar variation 847012 (VCV000847012.9), dbSNP rs1758515751, ClinGen allele CA361122859.
Genomic context (GRCh38, chr5:138,810,059, plus strand): 5'-TTCATTCTTGCTGAGTTTGTTTTTCATTCTGTAAAACAGGTGATTTGATGAAGGCTGCTG[C>T]AGGAGAGTTCGCAGATGATCCCTGCTCTTCTGTGAAGCGAGGCAACATGGTTCGGGCAGC-3'
Protein context (NP_001894.2, residues 98-118): RKQGDLMKAA[Ala108Val]GEFADDPCSS

ClinVar aggregate classification (germline): Uncertain significance (1 of 4 stars; one submission).

Submission:

Labcorp Genetics (formerly Invitae), Labcorp
Classification: Uncertain significance. Last evaluated: 2022-12-15. Review status: criteria provided, single submitter. Criteria: Invitae Variant Classification Sherloc (09022015). Collection method: clinical testing. Allele origin: germline.
Comment: This sequence change replaces alanine, which is neutral and non-polar, with valine, which is neutral and non-polar, at codon 108 of the CTNNA1 protein (p.Ala108Val). This variant is not present in population databases (gnomAD no frequency). This variant has not been reported in the literature in individuals affected with CTNNA1-related conditions. ClinVar contains an entry for this variant (Variation ID: 847012). Advanced modeling of protein sequence and biophysical properties (such as structural, functional, and spatial information, amino acid conservation, physicochemical variation, residue mobility, and thermodynamic stability) performed at Invitae indicates that this missense variant is not expected to disrupt CTNNA1 protein function. In summary, the available evidence is currently insufficient to determine the role of this variant in disease. Therefore, it has been classified as a Variant of Uncertain Significance.